The following is an entry in ClinVar:

ClinVar aggregate classification (germline): Uncertain significance (1 of 4 stars; one submission).

Allele frequency attached by ClinVar (database versions not stated): gnomAD exomes below 0.00001; TOPMed below 0.00001.
gnomAD v4.1: 2 of 1,613,956 alleles (0.00012%); highest among the groups gnomAD compares: African/African-American, 0.0013%; no homozygotes.

Submission:

Labcorp Genetics (formerly Invitae), Labcorp
Classification: Uncertain significance. Last evaluated: 2022-08-19. Review status: criteria provided, single submitter. Criteria: Invitae Variant Classification Sherloc (09022015). Collection method: clinical testing. Allele origin: germline.
Comment: In summary, the available evidence is currently insufficient to determine the role of this variant in disease. Therefore, it has been classified as a Variant of Uncertain Significance. Experimental studies and prediction algorithms are not available or were not evaluated, and the functional significance of this variant is currently unknown. This variant has not been reported in the literature in individuals affected with SLC46A1-related conditions. This variant is present in population databases (no rsID available, gnomAD 0.007%). This sequence change replaces tyrosine, which is neutral and polar, with cysteine, which is neutral and slightly polar, at codon 306 of the SLC46A1 protein (p.Tyr306Cys).

NM_080669.6(SLC46A1):c.917A>G (p.Tyr306Cys)

Gene: SLC46A1 (solute carrier family 46 member 1; minus strand). Cytogenetic location: 17q11.2.
Variant type: single nucleotide variant.
Coding change: c.917A>G on transcript NM_080669.6 (MANE Select); coding-DNA position 917, A replaced by G.
Protein change: p.Tyr306Cys; replaces tyrosine 306 with cysteine.
Molecular consequence: missense variant.
Genome position (GRCh38, 1-based): chr17:28,404,780, T>C on the plus strand (A>G on the coding strand, the complement: SLC46A1 is on the minus strand). VCF-style: chr17-28404780-T-C. GRCh37 (hg19) VCF-style: chr17-26731798-T-C.
Other names: c.917A>G, p.Tyr306Cys (NM_001242366.3); short protein forms Y306C.
Identifiers: ClinVar variation 1965979 (VCV001965979.5), dbSNP rs1555590460, ClinGen allele CA398347308.